The following is an entry in ClinVar:

NM_002609.4(PDGFRB):c.2811G>T (p.Met937Ile)

Gene: PDGFRB (platelet derived growth factor receptor beta; minus strand). Cytogenetic location: 5q32.
Variant type: single nucleotide variant.
Coding change: c.2811G>T on transcript NM_002609.4 (MANE Select); coding-DNA position 2811, G replaced by T.
Protein change: p.Met937Ile; replaces methionine 937 with isoleucine.
Molecular consequence: missense variant.
Genome position (GRCh38, 1-based): chr5:150,118,840, C>A on the plus strand (G>T on the coding strand, the complement: PDGFRB is on the minus strand). VCF-style: chr5-150118840-C-A. GRCh37 (hg19) VCF-style: chr5-149498403-C-A.
Other names: c.2619G>T, p.Met873Ile (NM_001355016.2); c.2328G>T, p.Met776Ile (NM_001355017.2); short protein forms M776I, M873I, M937I.
Identifiers: ClinVar variation 1305189 (VCV001305189.2), dbSNP rs751229604, ClinGen allele CA361756964.

ClinVar aggregate classification (germline): Uncertain significance (1 of 4 stars; one submission).

gnomAD v4.1: 1 of 1,608,434 alleles (0.000062%); highest among the groups gnomAD compares: Non-Finnish European, 0.000085%; no homozygotes.

Submission:

GeneDx
Classification: Uncertain significance. Last evaluated: 2019-04-26. Review status: criteria provided, single submitter. Criteria: GeneDx Variant Classification Process June 2021. Collection method: clinical testing. Allele origin: germline. Affected: yes.
Comment: Not observed in large population cohorts (Lek et al., 2016); In silico analysis, which includes protein predictors and evolutionary conservation, supports a deleterious effect; Has not been previously published as pathogenic or benign to our knowledge